The following is an entry in ClinVar:

ClinVar aggregate classification (germline): Likely benign (0 of 4 stars; one submission).

Conditions:
ELF4-related disorder. Also called: ELF4-related condition.

Allele frequency attached by ClinVar (database versions not stated): ExAC 0.00001; TOPMed 0.00001.

Submission:

PreventionGenetics, part of Exact Sciences
Classification: Likely benign for ELF4-related condition. Last evaluated: 2022-04-26. Review status: no assertion criteria provided. Collection method: clinical testing. Allele origin: germline.
Comment: This variant is classified as likely benign based on ACMG/AMP sequence variant interpretation guidelines (Richards et al. 2015 PMID: 25741868, with internal and published modifications).

NM_001421.4(ELF4):c.1617G>A (p.Gly539=)

Gene: ELF4 (E74 like ETS transcription factor 4; minus strand). Cytogenetic location: Xq26.1.
Variant type: single nucleotide variant.
Coding change: c.1617G>A on transcript NM_001421.4 (MANE Select); coding-DNA position 1617, G replaced by A.
Protein change: p.Gly539=; no amino-acid change (glycine 539 retained).
Molecular consequence: synonymous variant.
Genome position (GRCh38, 1-based): chrX:130,067,096, C>T on the plus strand (G>A on the coding strand, the complement: ELF4 is on the minus strand). VCF-style: chrX-130067096-C-T. GRCh37 (hg19) VCF-style: chrX-129201071-C-T.
Other names: c.1617G>A, p.Gly539= (NM_001127197.2).
Identifiers: ClinVar variation 3050559 (VCV003050559.2), dbSNP rs752988784, ClinGen allele CA10514915.